The following is an entry in ClinVar:

ClinVar aggregate classification (germline): Likely benign (1 of 4 stars; one submission).

Allele frequency attached by ClinVar (database versions not stated): gnomAD exomes below 0.00001; gnomAD 0.00001; TOPMed 0.00002; ESP Exome Variant Server 0.00008.
gnomAD v4.1: 5 of 1,612,314 alleles (0.00031%); highest among the groups gnomAD compares: African/African-American, 0.0027%; no homozygotes.

Submission:

GeneDx
Classification: Likely benign. Last evaluated: 2018-02-07. Review status: criteria provided, single submitter. Criteria: GeneDx Variant Classification (06012015). Collection method: clinical testing. Allele origin: germline. Affected: yes.
Comment: This variant is considered likely benign or benign based on one or more of the following criteria: it is a conservative change, it occurs at a poorly conserved position in the protein, it is predicted to be benign by multiple in silico algorithms, and/or has population frequency not consistent with disease.

NM_018993.4(RIN2):c.642C>T (p.Ser214=)

Gene: RIN2 (Ras and Rab interactor 2; plus strand). Cytogenetic location: 20p11.23.
Variant type: single nucleotide variant.
Coding change: c.642C>T on transcript NM_018993.4 (MANE Select); coding-DNA position 642, C replaced by T.
Protein change: p.Ser214=; no amino-acid change (serine 214 retained).
Molecular consequence: synonymous variant.
Genome position (GRCh38, 1-based): chr20:19,974,667, C>T. VCF-style: chr20-19974667-C-T. GRCh37 (hg19) VCF-style: chr20-19955311-C-T.
Other names: c.789C>T, p.Ser263= (NM_001242581.2); c.24C>T, p.Ser8= (NM_001378238.1).
Identifiers: ClinVar variation 515317 (VCV000515317.1), dbSNP rs367588564, ClinGen allele CA312415536.
Genomic context (GRCh38, chr20:19,974,667, plus strand): 5'-GAGTGTACCGTATTTACATTCTTGTGTTCACTGATAATGACTTTCAGATTTCTGGAGCTC[C>T]CCAGCTGACAGCAAACCCCCGAACCTTCCACCTCCCCATAGGCCTCTTTCCTCCGACGGT-3'
Protein context (NP_061866.1, residues 204-224): LAQMGLNFWS[Ser214=]PADSKPPNLP